The following is an entry in ClinVar:

ClinVar aggregate classification (germline): Uncertain significance (1 of 4 stars; one submission).

Allele frequency attached by ClinVar (database versions not stated): gnomAD exomes 0.00001 and 0.00008; gnomAD 0.00003; TOPMed 0.00004; ExAC 0.00007.
gnomAD v4.1: 110 of 1,545,004 alleles (0.0071%); highest among the groups gnomAD compares: Non-Finnish European, 0.0095%; no homozygotes.

Submission:

Labcorp Genetics (formerly Invitae), Labcorp
Classification: Uncertain significance. Last evaluated: 2022-07-02. Review status: criteria provided, single submitter. Criteria: Invitae Variant Classification Sherloc (09022015). Collection method: clinical testing. Allele origin: germline.
Comment: This sequence change replaces arginine, which is basic and polar, with serine, which is neutral and polar, at codon 2 of the C1QTNF5 protein (p.Arg2Ser). This variant is present in population databases (rs766972313, gnomAD 0.002%). In summary, the available evidence is currently insufficient to determine the role of this variant in disease. Therefore, it has been classified as a Variant of Uncertain Significance. Algorithms developed to predict the effect of missense changes on protein structure and function are either unavailable or do not agree on the potential impact of this missense change (SIFT: "Tolerated"; PolyPhen-2: "Not Available"; Align-GVGD: "Class C15"). ClinVar contains an entry for this variant (Variation ID: 1021509). This missense change has been observed in individual(s) with late onset vitelliform macular degeneration (Invitae).

NM_001278431.2(C1QTNF5):c.6G>C (p.Arg2Ser)

Genes: C1QTNF5 (C1q and TNF related 5; minus strand), MFRP (membrane frizzled-related protein; minus strand). Cytogenetic location: 11q23.3.
Variant type: single nucleotide variant.
Coding change: c.6G>C on transcript NM_001278431.2 (MANE Select); coding-DNA position 6, G replaced by C.
Protein change: p.Arg2Ser; replaces arginine 2 with serine.
Molecular consequence: missense variant. On other transcripts: 3 prime UTR variant (1).
Genome position (GRCh38, 1-based): chr11:119,340,392, C>G on the plus strand (G>C on the coding strand, the complement: C1QTNF5 is on the minus strand). VCF-style: chr11-119340392-C-G. GRCh37 (hg19) VCF-style: chr11-119211102-C-G.
Other names: c.6G>C, p.Arg2Ser (NM_015645.5); c.*902G>C (NM_031433.4); short protein forms R2S.
Identifiers: ClinVar variation 1021509 (VCV001021509.8), dbSNP rs766972313, ClinGen allele CA6320009.